The following is an entry in ClinVar:

NM_018105.3(THAP1):c.443G>A (p.Arg148Lys)

Gene: THAP1 (THAP domain containing 1; minus strand). Cytogenetic location: 8p11.21.
Variant type: single nucleotide variant.
Coding change: c.443G>A on transcript NM_018105.3 (MANE Select); coding-DNA position 443, G replaced by A.
Protein change: p.Arg148Lys; replaces arginine 148 with lysine.
Molecular consequence: missense variant. On other transcripts: 3 prime UTR variant (1).
Genome position (GRCh38, 1-based): chr8:42,838,161, C>T on the plus strand (G>A on the coding strand, the complement: THAP1 is on the minus strand). VCF-style: chr8-42838161-C-T. GRCh37 (hg19) VCF-style: chr8-42693304-C-T.
Other names: c.*85G>A (NM_199003.2); short protein forms R148K.
Identifiers: ClinVar variation 1061415 (VCV001061415.1), dbSNP rs1276100551, ClinGen allele CA371107041.

ClinVar aggregate classification (germline): Uncertain significance (1 of 4 stars; one submission).

Conditions:
Torsion dystonia 6 (DYT6). Also called: DYT-THAP1. Identifiers: Orphanet 98806, MedGen C1414216, MONDO:0011264, OMIM 602629.

Submission:

Labcorp Genetics (formerly Invitae), Labcorp
Classification: Uncertain significance for Torsion dystonia 6. Last evaluated: 2020-10-05. Review status: criteria provided, single submitter. Criteria: Invitae Variant Classification Sherloc (09022015). Collection method: clinical testing. Allele origin: germline.
Comment: This sequence change replaces arginine with lysine at codon 148 of the THAP1 protein (p.Arg148Lys). The arginine residue is highly conserved and there is a small physicochemical difference between arginine and lysine. This variant is not present in population databases (ExAC no frequency). This variant has not been reported in the literature in individuals with THAP1-related conditions. Algorithms developed to predict the effect of missense changes on protein structure and function are either unavailable or do not agree on the potential impact of this missense change (SIFT: Tolerated; PolyPhen-2: Probably Damaging; Align-GVGD: Class C0). In summary, the available evidence is currently insufficient to determine the role of this variant in disease. Therefore, it has been classified as a Variant of Uncertain Significance.